The following is an entry in ClinVar:

ClinVar aggregate classification (germline): Uncertain significance (1 of 4 stars; one submission).

Submission:

Ambry Genetics
Classification: Uncertain significance. Last evaluated: 2021-11-18. Review status: criteria provided, single submitter. Criteria: Ambry Variant Classification Scheme 2023. Collection method: clinical testing. Allele origin: germline.
Comment: The p.V758G variant (also known as c.2273T>G), located in coding exon 19 of the BUB1 gene, results from a T to G substitution at nucleotide position 2273. The valine at codon 758 is replaced by glycine, an amino acid with dissimilar properties. This amino acid position is conserved. In addition, this alteration is predicted to be tolerated by in silico analysis. Since supporting evidence is limited at this time, the clinical significance of this alteration remains unclear.

NM_004336.5(BUB1):c.2273T>G (p.Val758Gly)

Gene: BUB1 (BUB1 mitotic checkpoint serine/threonine kinase; minus strand). Cytogenetic location: 2q13.
Variant type: single nucleotide variant.
Coding change: c.2273T>G on transcript NM_004336.5 (MANE Select); coding-DNA position 2273, T replaced by G.
Protein change: p.Val758Gly; replaces valine 758 with glycine.
Molecular consequence: missense variant.
Genome position (GRCh38, 1-based): chr2:110,649,308, A>C on the plus strand (T>G on the coding strand, the complement: BUB1 is on the minus strand). VCF-style: chr2-110649308-A-C. GRCh37 (hg19) VCF-style: chr2-111406885-A-C.
Other names: c.2213T>G, p.Val738Gly (NM_001278616.2); c.2273T>G, p.Val758Gly (NM_001278617.2); short protein forms V738G, V758G.
Identifiers: ClinVar variation 1788821 (VCV001788821.2), dbSNP rs2467987310, ClinGen allele CA348209514.
Genomic context (GRCh38, chr2:110,649,308, plus strand): 5'-GTCTTGGGCTTGATGGCTGGAAGTTTACATTGCCATTCAAAAGTATTTGGATAGGAACTC[A>C]CTGGTTTAGAAAGCCCAGATAAAAGTTTGAAAATCAGCTTATCATCCCATGGGTTCCCAA-3'
Protein context (NP_004327.1, residues 748-768): FKLLSGLSKP[Val758Gly]SSYPNTFEWQ